The following is an entry in ClinVar:

NM_007294.4(BRCA1):c.1651A>C (p.Ser551Arg)

Gene: BRCA1 (BRCA1 DNA repair associated; minus strand). Cytogenetic location: 17q21.31.
Variant type: single nucleotide variant.
Coding change: c.1651A>C on transcript NM_007294.4 (MANE Select); coding-DNA position 1651, A replaced by C.
Protein change: p.Ser551Arg; replaces serine 551 with arginine.
Molecular consequence: missense variant. On other transcripts: intron variant (137).
Genome position (GRCh38, 1-based): chr17:43,093,880, T>G on the plus strand (A>C on the coding strand, the complement: BRCA1 is on the minus strand). VCF-style: chr17-43093880-T-G. GRCh37 (hg19) VCF-style: chr17-41245897-T-G.
Other names: c.661+864A>C (NM_001408446.1, NM_001408435.1, NM_001408445.1 and 6 more transcripts); c.784+864A>C (NM_001408401.1, NM_001408396.1, NM_001407985.1 and 13 more transcripts); c.548-2848A>C (NM_001408494.1); c.664+864A>C (NM_001408444.1, NM_001408438.1, NM_001408430.1 and 12 more transcripts); c.670+1966A>C (NM_001408423.1, NM_001408420.1, NM_001408419.1 and 2 more transcripts); c.787+864A>C (NM_001408404.1, NM_001408472.1, NM_001407990.1 and 19 more transcripts); c.706+864A>C (NM_001408413.1, NM_001408416.1); c.586+864A>C (NM_001408476.1, NM_001408474.1); and 40 more; short protein forms S504R, S551R, S424R, S439R, S503R, S510R, S423R, S481R.
Identifiers: ClinVar variation 950867 (VCV000950867.14), dbSNP rs730881472, ClinGen allele CA10598733.

ClinVar aggregate classification (germline): Conflicting classifications of pathogenicity. Review status: criteria provided, conflicting classifications (1 of 4 stars). 3 submissions from 3 submitters: Uncertain significance (2); Likely benign (1). Last evaluated 2025-08-05.

Conditions:
Hereditary breast ovarian cancer syndrome. Also called: Hereditary breast and ovarian cancer; Hereditary breast and/or ovarian cancer syndrome; Hereditary breast and ovarian cancer syndrome; Hereditary breast and ovarian cancer syndrome (HBOC); BRCA1- and BRCA2-Associated Hereditary Breast and Ovarian Cancer; Breast and ovarian cancer. Identifiers: Orphanet 145, MedGen C0677776, MeSH D061325, MONDO:0003582. Disease mechanism: loss of function.
Hereditary cancer-predisposing syndrome. Also called: Tumor predisposition; Hereditary neoplastic syndrome; Neoplastic Syndromes, Hereditary; Hereditary Cancer Syndrome. Identifiers: Orphanet 140162, MedGen C0027672, MeSH D009386, MONDO:0015356.

Allele frequency attached by ClinVar (database versions not stated): gnomAD exomes below 0.00001.
gnomAD v4.1: 1 of 1,613,922 alleles (0.000062%); highest among the groups gnomAD compares: Non-Finnish European, 0.000085%; no homozygotes.

Submissions (3):

Ambry Genetics
Classification: Uncertain significance for Hereditary cancer-predisposing syndrome. Last evaluated: 2025-08-05. Review status: criteria provided, single submitter. Criteria: Ambry Variant Classification Scheme 2023. Collection method: clinical testing. Allele origin: germline.
Comment: The p.S551R variant (also known as c.1651A>C), located in coding exon 9 of the BRCA1 gene, results from an A to C substitution at nucleotide position 1651. The serine at codon 551 is replaced by arginine, an amino acid with dissimilar properties. This amino acid position is poorly conserved in available vertebrate species. In addition, the in silico prediction for this alteration is inconclusive. Based on the available evidence, the clinical significance of this variant remains unclear.

University of Washington Department of Laboratory Medicine, University of Washington
Classification: Likely benign for Hereditary cancer-predisposing syndrome. Last evaluated: 2023-03-23. Review status: criteria provided, single submitter. Criteria: Dines et al. (Genet Med. 2020). Collection method: curation. Allele origin: germline.
Comment: Missense variant in a coldspot region where missense variants are very unlikely to be pathogenic (PMID:31911673).

BRCA1 coldspot (exon 11 using historical exon numbering). Reclassification based on statistical prior probability

Labcorp Genetics (formerly Invitae), Labcorp
Classification: Uncertain significance for Hereditary breast ovarian cancer syndrome. Last evaluated: 2022-03-28. Review status: criteria provided, single submitter. Criteria: Invitae Variant Classification Sherloc (09022015). Collection method: clinical testing. Allele origin: germline.
Comment: This sequence change replaces serine, which is neutral and polar, with arginine, which is basic and polar, at codon 551 of the BRCA1 protein (p.Ser551Arg). This variant is not present in population databases (gnomAD no frequency). This variant has not been reported in the literature in individuals affected with BRCA1-related conditions. ClinVar contains an entry for this variant (Variation ID: 950867). Advanced modeling of protein sequence and biophysical properties (such as structural, functional, and spatial information, amino acid conservation, physicochemical variation, residue mobility, and thermodynamic stability) performed at Invitae indicates that this missense variant is not expected to disrupt BRCA1 protein function. In summary, the available evidence is currently insufficient to determine the role of this variant in disease. Therefore, it has been classified as a Variant of Uncertain Significance.